The following is an entry in ClinVar:

NM_182931.3(KMT2E):c.2926A>G (p.Met976Val)

Gene: KMT2E (lysine methyltransferase 2E (inactive); plus strand). Cytogenetic location: 7q22.3.
Variant type: single nucleotide variant.
Coding change: c.2926A>G on transcript NM_182931.3 (MANE Select); coding-DNA position 2926, A replaced by G.
Protein change: p.Met976Val; replaces methionine 976 with valine.
Molecular consequence: missense variant.
Genome position (GRCh38, 1-based): chr7:105,107,383, A>G. VCF-style: chr7-105107383-A-G. GRCh37 (hg19) VCF-style: chr7-104747830-A-G.
Other names: c.2926A>G, p.Met976Val (NM_001410908.1, NM_018682.4); short protein forms M976V.
Identifiers: ClinVar variation 2754035 (VCV002754035.3), dbSNP rs200690461, ClinGen allele CA4424369.
Genomic context (GRCh38, chr7:105,107,383, plus strand): 5'-TGATTATTTGTGTAATTTTTTTTTTTAATTTGTAAACAGGGATATGACAGATCTTCAACC[A>G]TGTTAACATTGGGGCCTTTTAGAAATTCTAATTTAACTGAACTGGGTCTGCAAGAAATAA-3'
Protein context (NP_891847.1, residues 966-986): SQEGYDRSST[Met976Val]LTLGPFRNSN

ClinVar aggregate classification (germline): Uncertain significance (1 of 4 stars; one submission).

Allele frequency attached by ClinVar (database versions not stated): gnomAD 0.00001; gnomAD exomes 0.00001; TOPMed 0.00002; ExAC 0.00003; 1000 Genomes Project 30x 0.00016; 1000 Genomes Project 0.00020.
gnomAD v4.1: 9 of 1,594,646 alleles (0.00056%); highest among the groups gnomAD compares: Non-Finnish European, 0.00017%; no homozygotes.

Submission:

Labcorp Genetics (formerly Invitae), Labcorp
Classification: Uncertain significance. Last evaluated: 2023-08-19. Review status: criteria provided, single submitter. Criteria: Invitae Variant Classification Sherloc (09022015). Collection method: clinical testing. Allele origin: germline.
Comment: This sequence change replaces methionine, which is neutral and non-polar, with valine, which is neutral and non-polar, at codon 976 of the KMT2E protein (p.Met976Val). This variant is present in population databases (rs200690461, gnomAD 0.009%). This variant has not been reported in the literature in individuals affected with KMT2E-related conditions. Advanced modeling of protein sequence and biophysical properties (such as structural, functional, and spatial information, amino acid conservation, physicochemical variation, residue mobility, and thermodynamic stability) performed at Invitae indicates that this missense variant is not expected to disrupt KMT2E protein function. In summary, the available evidence is currently insufficient to determine the role of this variant in disease. Therefore, it has been classified as a Variant of Uncertain Significance.